The following is an entry in ClinVar:

ClinVar aggregate classification (germline): Uncertain significance. Review status: criteria provided, multiple submitters, no conflicts (2 of 4 stars). 2 submissions from 2 submitters: Uncertain significance (2). Last evaluated 2025-12-08.

Conditions:
Primary ciliary dyskinesia. Also called: Ciliary dyskinesia. Identifiers: Orphanet 244, MedGen C0008780, MONDO:0016575, HP:0012265.

Allele frequency attached by ClinVar (database versions not stated): gnomAD exomes below 0.00001; TOPMed 0.00001.

Submissions (2):

Ambry Genetics
Classification: Uncertain significance for Primary ciliary dyskinesia. Last evaluated: 2025-12-08. Review status: criteria provided, single submitter. Criteria: Ambry Variant Classification Scheme 2023. Collection method: clinical testing. Allele origin: germline.

Labcorp Genetics (formerly Invitae), Labcorp
Classification: Uncertain significance for Primary ciliary dyskinesia. Last evaluated: 2021-09-01. Review status: criteria provided, single submitter. Criteria: Invitae Variant Classification Sherloc (09022015). Collection method: clinical testing. Allele origin: germline.
Comment: This sequence change replaces serine with proline at codon 3396 of the DNAH11 protein (p.Ser3396Pro). The serine residue is highly conserved and there is a moderate physicochemical difference between serine and proline. This variant is not present in population databases (ExAC no frequency). This variant has not been reported in the literature in individuals affected with DNAH11-related conditions. Algorithms developed to predict the effect of missense changes on protein structure and function are either unavailable or do not agree on the potential impact of this missense change (SIFT: "Deleterious"; PolyPhen-2: "Possibly Damaging"; Align-GVGD: "Class C0"). In summary, the available evidence is currently insufficient to determine the role of this variant in disease. Therefore, it has been classified as a Variant of Uncertain Significance.

NM_001277115.2(DNAH11):c.10186T>C (p.Ser3396Pro)

Gene: DNAH11 (dynein axonemal heavy chain 11; plus strand). Cytogenetic location: 7p15.3.
Variant type: single nucleotide variant.
Coding change: c.10186T>C on transcript NM_001277115.2 (MANE Select); coding-DNA position 10186, T replaced by C.
Protein change: p.Ser3396Pro; replaces serine 3396 with proline.
Molecular consequence: missense variant.
Genome position (GRCh38, 1-based): chr7:21,807,903, T>C. VCF-style: chr7-21807903-T-C. GRCh37 (hg19) VCF-style: chr7-21847521-T-C.
Other names: short protein forms S3396P.
Identifiers: ClinVar variation 662536 (VCV000662536.6), dbSNP rs1583718488, ClinGen allele CA366945866.